The following is an entry in ClinVar:

NM_000169.3(GLA):c.952del (p.Ala318fs)

Genes: GLA (galactosidase alpha; minus strand), RPL36A-HNRNPH2 (RPL36A-HNRNPH2 readthrough; plus strand). Cytogenetic location: Xq22.1.
Variant type: Deletion.
Coding change: c.952del on transcript NM_000169.3 (MANE Select); coding-DNA position 952, one base deleted (G; older notation c.952delG).
Protein change: p.Ala318fs; shifts the reading frame from alanine 318.
Molecular consequence: frameshift variant. On other transcripts: non-coding transcript variant (3), intron variant (2).
Genome position (GRCh38, 1-based): chrX:101,398,417, C deleted on the plus strand (G on the coding strand, the reverse complement: GLA is on the minus strand). VCF-style (leftmost placement, unchanged base first): chrX-101398416-GC-G. GRCh37 (hg19) VCF-style: chrX-100653404-GC-G.
Other names: c.1075del, p.Ala359fs (NM_001406747.1); c.952del, p.Ala318fs (NM_001406748.1); c.300+2960del (NM_001199973.2); c.177+6595del (NM_001199974.2); short protein forms A318fs, A359fs.
Identifiers: ClinVar variation 4087031 (VCV004087031.2).

ClinVar aggregate classification (germline): Pathogenic (1 of 4 stars; one submission).

Conditions:
Fabry disease. Also called: ALPHA-GALACTOSIDASE A DEFICIENCY; ANDERSON-FABRY DISEASE; CERAMIDE TRIHEXOSIDASE DEFICIENCY; GLA DEFICIENCY; HEREDITARY DYSTOPIC LIPIDOSIS; Angiokeratoma corporis diffusum. Identifiers: Orphanet 324, MedGen C0002986, MONDO:0010526, OMIM 301500, HP:0001071. Disease mechanism: Fabry disease is due to inactivating mutations in the X-linked GLA gene resulting in deficiency of the enzyme Alpha Galactosidase-A., loss of function.

Submission:

Genomenon, Inc
Classification: Pathogenic for Fabry disease. Last evaluated: 2026-09-08. Review status: criteria provided, single submitter. Criteria: Genomenon Sequence Variant Interpretation Standards - Updated. Collection method: curation. Allele origin: germline. Affected: yes.
Comment: GLA p.Ala318ProfsTer30 (c.952del) is a frameshift variant that is predicted to introduce a premature termination codon and result in a truncated or absent protein product. This variant has been observed in at least one proband with clinical features consistent with Fabry disease (PMID:23430889). Functional or patient cell studies have been reported (PMID:23430889). It is absent or not present at a significant frequency in gnomAD. In conclusion, we classify GLA p.Ala318ProfsTer30 (c.952del) as a pathogenic variant.

Literature cited by the submitters: PubMed 23430889.